The following is an entry in ClinVar:

ClinVar aggregate classification (germline): Pathogenic (1 of 4 stars; one submission).

Conditions:
Mucopolysaccharidosis, MPS-II (MPS2). Also called: Hunter Syndrome; IDURONATE 2-SULFATASE DEFICIENCY; Mucopolysaccharidosis Type II; Mucopolysaccharidosis type 2; Attenuated MPS (subtype; formerly known as mild MPS II); Severe MPS II. Identifiers: Orphanet 580, Orphanet 79388, MedGen C0026705, MONDO:0010674, OMIM 309900.

Submission:

Laboratory of Diagnosis and Therapy of Lysosomal Disorders, University of Padova
Classification: Pathogenic for Mucopolysaccharidosis, MPS-II. Last evaluated: 2024-06-07. Review status: criteria provided, single submitter. Criteria: ACMG Guidelines, 2015. Collection method: literature only. Allele origin: germline. Affected: yes. Observed: 1 variant allele.
Comment: Null variant (PVS1_VeryStrong), Absent from controls (or at low frequency) in gnomAD database (PM2_Moderate), Patient’s phenotype or family history highly specific for the disease (PP4_Strong)

Classification method: ACMG Guidelines [PMID:25741868] with modifications

Literature cited by the submitters: PubMed 36945845.

NM_000202.8(IDS):c.748dup (p.Ala250fs)

Genes: IDS (iduronate 2-sulfatase; minus strand), LOC106050102 (IDS recombination region; plus strand). Cytogenetic location: Xq28.
Variant type: Duplication.
Coding change: c.748dup on transcript NM_000202.8 (MANE Select); coding-DNA position 748, one base duplicated (G; older notation c.748dupG).
Protein change: p.Ala250fs; shifts the reading frame from alanine 250.
Molecular consequence: frameshift variant. On other transcripts: non-coding transcript variant (1).
Genome position (GRCh38, 1-based): chrX:149,496,477, C duplicated on the plus strand (G on the coding strand, the reverse complement: IDS is on the minus strand); the first of 2 consecutive C bases (chrX:149,496,477-149,496,478); duplicating either gives the same sequence. VCF-style (leftmost placement, unchanged base first): chrX-149496476-G-GC. GRCh37 (hg19) VCF-style: chrX-148578007-G-GC.
Other names: c.478dup, p.Ala160fs (NM_001166550.4); c.748dup, p.Ala250fs (NM_006123.5); short protein forms A160fs, A250fs.
Identifiers: ClinVar variation 3255827 (VCV003255827.2).